The following is an entry in ClinVar:

NM_172107.4(KCNQ2):c.1816A>T (p.Lys606Ter)

Gene: KCNQ2 (potassium voltage-gated channel subfamily Q member 2; minus strand). Cytogenetic location: 20q13.33.
Variant type: single nucleotide variant.
Coding change: c.1816A>T on transcript NM_172107.4 (MANE Select); coding-DNA position 1816, A replaced by T.
Protein change: p.Lys606Ter; replaces lysine 606 with a stop codon.
Molecular consequence: nonsense.
Genome position (GRCh38, 1-based): chr20:63,408,484, T>A on the plus strand (A>T on the coding strand, the complement: KCNQ2 is on the minus strand). VCF-style: chr20-63408484-T-A. GRCh37 (hg19) VCF-style: chr20-62039837-T-A.
Other names: c.1732A>T, p.Lys578Ter (NM_004518.6); c.1762A>T, p.Lys588Ter (NM_172106.3); c.1723A>T, p.Lys575Ter (NM_172108.5); short protein forms K606*, K578*, K575*, K588*.
Identifiers: ClinVar variation 504307 (VCV000504307.2), dbSNP rs1555851516, ClinGen allele CA409640349.

ClinVar aggregate classification (germline): Pathogenic (1 of 4 stars; one submission).

Submission:

GeneDx
Classification: Pathogenic. Last evaluated: 2018-02-20. Review status: criteria provided, single submitter. Criteria: GeneDx Variant Classification (06012015). Collection method: clinical testing. Allele origin: germline. Affected: yes.
Comment: The K606X nonsense variant in the KCNQ2 gene is predicted to cause loss of normal protein function either through protein truncation or nonsense-mediated mRNA decay. The K606X variant is not observed in large population cohorts (Lek et al., 2016).